The following is an entry in ClinVar:

ClinVar aggregate classification (germline): Uncertain significance (1 of 4 stars; one submission).

Conditions:
Cystic fibrosis (CF). Also called: MUCOVISCIDOSIS. Identifiers: Orphanet 586, MedGen C0010674, MONDO:0009061, OMIM 219700. Disease mechanism: loss of function.

Allele frequency attached by ClinVar (database versions not stated): TOPMed 0.00152; gnomAD 0.00117 and 0.00159; 1000 Genomes Project 30x 0.00203; 1000 Genomes Project 0.00240.
gnomAD v4.1: 242 of 151,892 alleles (0.16%); highest among the groups gnomAD compares: South Asian, 1.3%; no homozygotes.

Submission:

Johns Hopkins Genomics, Johns Hopkins University
Classification: Uncertain significance for Cystic fibrosis. Last evaluated: 2021-05-07. Review status: criteria provided, single submitter. Criteria: ACMG Guidelines, 2015. Collection method: clinical testing. Allele origin: germline.
Comment: This deep intronic CFTR variant (rs142677818) is present in a large population dataset (gnomAD: 32/30902 total alleles; 0.104%; no homozygotes). It has not been reported in ClinVar nor the literature, to our knowledge. Three bioinformatics tools predict that this intronic variant may create a weak cryptic splice acceptor site, although this has not been confirmed experimentally to our knowledge. We consider the clinical significance of c.3718-3630G>T to be uncertain at this time.

NM_000492.4(CFTR):c.3718-3630G>T

Genes: CFTR (CF transmembrane conductance regulator; plus strand), CFTR-AS2 (CFTR antisense RNA 2; minus strand). Cytogenetic location: 7q31.2.
Variant type: single nucleotide variant.
Coding change: c.3718-3630G>T on transcript NM_000492.4 (MANE Select); 3630 bases into the intron before coding-DNA position 3718, G replaced by T.
Molecular consequence: intron variant.
Genome position (GRCh38, 1-based): chr7:117,638,808, G>T. VCF-style: chr7-117638808-G-T. GRCh37 (hg19) VCF-style: chr7-117278862-G-T.
Identifiers: ClinVar variation 1162237 (VCV001162237.1), dbSNP rs142677818, ClinGen allele CA164945741.